The following is an entry in ClinVar:

ClinVar aggregate classification (germline): Conflicting classifications of pathogenicity. Review status: criteria provided, conflicting classifications (1 of 4 stars). 2 submissions from 2 submitters: Uncertain significance (1); Likely benign (1). Last evaluated 2026-01-01.

Allele frequency attached by ClinVar (database versions not stated): ExAC 0.00001; gnomAD exomes 0.00001; TOPMed 0.00002; gnomAD 0.00004.

Submissions (2):

CeGaT Center for Human Genetics Tuebingen
Classification: Likely benign. Last evaluated: 2026-01-01. Review status: criteria provided, single submitter. Criteria: CeGaT Center For Human Genetics Tuebingen Variant Classification Criteria Version 2. Collection method: clinical testing. Allele origin: germline. Affected: yes. Observed: 1 variant allele.
Comment: HNRNPK: BS2

Labcorp Genetics (formerly Invitae), Labcorp
Classification: Uncertain significance. Last evaluated: 2023-05-20. Review status: criteria provided, single submitter. Criteria: Invitae Variant Classification Sherloc (09022015). Collection method: clinical testing. Allele origin: germline.
Comment: In summary, the available evidence is currently insufficient to determine the role of this variant in disease. Therefore, it has been classified as a Variant of Uncertain Significance. Advanced modeling of protein sequence and biophysical properties (such as structural, functional, and spatial information, amino acid conservation, physicochemical variation, residue mobility, and thermodynamic stability) performed at Invitae indicates that this missense variant is not expected to disrupt HNRNPK protein function. This variant has not been reported in the literature in individuals affected with HNRNPK-related conditions. This variant is present in population databases (rs745760398, gnomAD 0.0009%). This sequence change replaces methionine, which is neutral and non-polar, with isoleucine, which is neutral and non-polar, at codon 255 of the HNRNPK protein (p.Met255Ile).

NM_031263.4(HNRNPK):c.765G>A (p.Met255Ile)

Gene: HNRNPK (heterogeneous nuclear ribonucleoprotein K; minus strand). Cytogenetic location: 9q21.32.
Variant type: single nucleotide variant.
Coding change: c.765G>A on transcript NM_031263.4 (MANE Select); coding-DNA position 765, G replaced by A.
Protein change: p.Met255Ile; replaces methionine 255 with isoleucine.
Molecular consequence: missense variant.
Genome position (GRCh38, 1-based): chr9:83,972,070, C>T on the plus strand (G>A on the coding strand, the complement: HNRNPK is on the minus strand). VCF-style: chr9-83972070-C-T. GRCh37 (hg19) VCF-style: chr9-86586985-C-T.
Other names: c.693G>A, p.Met231Ile (NM_001318186.2, NM_001318187.2); c.765G>A, p.Met255Ile (NM_001318188.2, NM_002140.5, NM_031262.4); short protein forms M231I, M255I.
Identifiers: ClinVar variation 2882984 (VCV002882984.7), dbSNP rs745760398, ClinGen allele CA5104081.
Genomic context (GRCh38, chr9:83,972,070, plus strand): 5'-TGGAGGCATGGGACGCCCACCCCGACCAGGAGGCATTCTGTCAAAACCACCTCTTCCCCG[C>T]ATGGGAAATCCCACTGGGCGTCCGCGACGGTCATCAAACATCATTGTAAAACCACCATAA-3'
Protein context (NP_112553.1, residues 245-265): DRRGRPVGFP[Met255Ile]RGRGGFDRMP